The following is an entry in ClinVar:

NM_001032386.2(SUOX):c.917del (p.Gly306fs)

Gene: SUOX (sulfite oxidase; plus strand). Cytogenetic location: 12q13.2.
Variant type: Deletion.
Coding change: c.917del on transcript NM_001032386.2 (MANE Select); coding-DNA position 917, one base deleted (G; older notation c.917delG).
Protein change: p.Gly306fs; shifts the reading frame from glycine 306.
Molecular consequence: frameshift variant.
Genome position (GRCh38, 1-based): chr12:56,004,306, G deleted; the last of 2 consecutive G bases (chr12:56,004,305-56,004,306); deleting either gives the same sequence. VCF-style (leftmost placement, unchanged base first): chr12-56004304-TG-T. GRCh37 (hg19) VCF-style: chr12-56398088-TG-T.
Other names: c.917del, p.Gly306fs (NM_000456.3, NM_001032387.2); short protein forms G306fs.
Identifiers: ClinVar variation 1408706 (VCV001408706.7), dbSNP rs1460210127, ClinGen allele CA605401136.

ClinVar aggregate classification (germline): Pathogenic (1 of 4 stars; one submission).

Conditions:
Sulfite oxidase deficiency. Also called: Isolated sulfite oxidase deficiency. Identifiers: Orphanet 833, Orphanet 99731, MedGen C0268624, MONDO:0010089, OMIM 272300, HP:0003643.

Submission:

Labcorp Genetics (formerly Invitae), Labcorp
Classification: Pathogenic for Sulfite oxidase deficiency. Last evaluated: 2024-01-02. Review status: criteria provided, single submitter. Criteria: Invitae Variant Classification Sherloc (09022015). Collection method: clinical testing. Allele origin: germline.
Comment: This sequence change creates a premature translational stop signal (p.Gly306Alafs*47) in the SUOX gene. While this is not anticipated to result in nonsense mediated decay, it is expected to disrupt the last 240 amino acid(s) of the SUOX protein. This variant is present in population databases (no rsID available, gnomAD 0.06%). This variant has not been reported in the literature in individuals affected with SUOX-related conditions. ClinVar contains an entry for this variant (Variation ID: 1408706). This variant disrupts a region of the SUOX protein in which other variant(s) (p.Arg459Gln) have been determined to be pathogenic (PMID: 31870341). This suggests that this is a clinically significant region of the protein, and that variants that disrupt it are likely to be disease-causing. For these reasons, this variant has been classified as Pathogenic.

Literature cited by the submitters: PubMed 31870341.